The following is an entry in ClinVar:

NM_003718.5(CDK13):c.1021C>T (p.Pro341Ser)

Gene: CDK13 (cyclin dependent kinase 13; plus strand). Cytogenetic location: 7p14.1.
Variant type: single nucleotide variant.
Coding change: c.1021C>T on transcript NM_003718.5 (MANE Select); coding-DNA position 1021, C replaced by T.
Protein change: p.Pro341Ser; replaces proline 341 with serine.
Molecular consequence: missense variant.
Genome position (GRCh38, 1-based): chr7:39,951,662, C>T. VCF-style: chr7-39951662-C-T. GRCh37 (hg19) VCF-style: chr7-39991261-C-T.
Other names: c.1021C>T, p.Pro341Ser (NM_031267.4); short protein forms P341S.
Identifiers: ClinVar variation 2417179 (VCV002417179.5), dbSNP rs1430011321, ClinGen allele CA367311241.

ClinVar aggregate classification (germline): Conflicting classifications of pathogenicity. Review status: criteria provided, conflicting classifications (1 of 4 stars). 2 submissions from 2 submitters: Uncertain significance (1); Likely benign (1). Last evaluated 2025-02-24.

Allele frequency attached by ClinVar (database versions not stated): gnomAD 0.00001; gnomAD exomes 0.00001; TOPMed 0.00001.
gnomAD v4.1: 11 of 1,476,876 alleles (0.00074%); highest among the groups gnomAD compares: Non-Finnish European, 0.00098%; no homozygotes.

Submissions (2):

Labcorp Genetics (formerly Invitae), Labcorp
Classification: Uncertain significance. Last evaluated: 2025-02-24. Review status: criteria provided, single submitter. Criteria: Invitae Variant Classification Sherloc (09022015). Collection method: clinical testing. Allele origin: germline.
Comment: This sequence change replaces proline, which is neutral and non-polar, with serine, which is neutral and polar, at codon 341 of the CDK13 protein (p.Pro341Ser). This variant is not present in population databases (gnomAD no frequency). This variant has not been reported in the literature in individuals affected with CDK13-related conditions. ClinVar contains an entry for this variant (Variation ID: 2417179). Invitae Evidence Modeling of protein sequence and biophysical properties (such as structural, functional, and spatial information, amino acid conservation, physicochemical variation, residue mobility, and thermodynamic stability) has been performed for this missense variant. However, the output from this modeling did not meet the statistical confidence thresholds required to predict the impact of this variant on CDK13 protein function. In summary, the available evidence is currently insufficient to determine the role of this variant in disease. Therefore, it has been classified as a Variant of Uncertain Significance.

Laboratory of Genetics, Children's Clinical University Hospital Latvia
Classification: Likely benign. Last evaluated: 2025-02-16. Review status: criteria provided, single submitter. Criteria: ACMG Guidelines, 2015. Collection method: clinical testing. Allele origin: germline. Affected: yes.